The following is an entry in ClinVar:

ClinVar aggregate classification (germline): Conflicting classifications of pathogenicity. Review status: criteria provided, conflicting classifications (1 of 4 stars). 7 submissions from 7 submitters: Pathogenic (2); Likely pathogenic (1); Uncertain significance (4). Last evaluated 2025-10-24.

Conditions:
Polycystic kidney disease 4 (PKD4). Also called: PKD3; POLYCYSTIC KIDNEY DISEASE 4 WITH OR WITHOUT POLYCYSTIC LIVER DISEASE; Autosomal Recessive Polycystic Kidney Disease – PKHD1; POLYCYSTIC KIDNEY AND HEPATIC DISEASE 1; POLYCYSTIC KIDNEY DISEASE, INFANTILE, TYPE I. Identifiers: MedGen C4540575, MONDO:0033004, OMIM 263200.
Autosomal recessive polycystic kidney disease (ARPKD). Also called: AR polycystic kidney disease. Identifiers: Orphanet 731, Orphanet 8378, MedGen C0085548, MeSH D017044, MONDO:0009889.

Allele frequency attached by ClinVar (database versions not stated): gnomAD exomes below 0.00001; TOPMed below 0.00001; gnomAD 0.00001.
gnomAD v4.1: 4 of 1,614,026 alleles (0.00025%); highest among the groups gnomAD compares: East Asian, 0.0022%; no homozygotes.

Submissions (7):

Natera, Inc.
Classification: Likely pathogenic for Autosomal recessive polycystic kidney disease. Last evaluated: 2025-10-24. Review status: criteria provided, single submitter. Criteria: Natera Variant Classification Schema (03/2026). Collection method: clinical testing. Allele origin: germline.
Comment: The c.2180A>G variant in PKHD1 is a missense variant predicted to cause substitution of asparagine to serine at amino acid 727. This variant is rare in the general population with a frequency below the threshold expected for the associated phenotype(s). This variant has been observed in one or more individuals affected with the associated recessive disease, as either homozygous or compound heterozygous with a second variant (PMID: 38098057, 16133180, 31395954). Multiple computational prediction algorithms suggest this variant is unlikely to affect gene or protein function. Given the available evidence, this variant is classified as Likely Pathogenic.

Daryl Scott Lab, Baylor College of Medicine
Classification: Pathogenic for Polycystic kidney disease 4. Last evaluated: 2024-01-01. Review status: criteria provided, single submitter. Criteria: ACMG Guidelines, 2015. Collection method: clinical testing. Allele origin: unknown. Affected: yes. Observed: 1 heterozygote.
Comment: PS4, PM2 ,PM3, PP3

Labcorp Genetics (formerly Invitae), Labcorp
Classification: Pathogenic for Autosomal recessive polycystic kidney disease. Last evaluated: 2023-08-18. Review status: criteria provided, single submitter. Criteria: Invitae Variant Classification Sherloc (09022015). Collection method: clinical testing. Allele origin: germline.
Comment: This sequence change replaces asparagine, which is neutral and polar, with serine, which is neutral and polar, at codon 727 of the PKHD1 protein (p.Asn727Ser). This missense change has been observed in individual(s) with polycystic kidney disease (PMID: 16133180, 31395954; Invitae). In at least one individual the data is consistent with being in trans (on the opposite chromosome) from a pathogenic variant. For these reasons, this variant has been classified as Pathogenic. Advanced modeling of protein sequence and biophysical properties (such as structural, functional, and spatial information, amino acid conservation, physicochemical variation, residue mobility, and thermodynamic stability) performed at Invitae indicates that this missense variant is not expected to disrupt PKHD1 protein function. ClinVar contains an entry for this variant (Variation ID: 167492). This variant is not present in population databases (gnomAD no frequency).

Blueprint Genetics
Classification: Uncertain significance. Last evaluated: 2020-11-05. Review status: criteria provided, single submitter. Criteria: ACMG Guidelines, 2015. Collection method: clinical testing. Allele origin: germline.

Baylor Genetics
Classification: Uncertain significance for Polycystic kidney disease 4. Last evaluated: 2019-11-07. Review status: criteria provided, single submitter. Criteria: ACMG Guidelines, 2015. Collection method: clinical testing. Allele origin: unknown. Affected: yes.
Comment: This variant was determined to be of uncertain significance according to ACMG Guidelines, 2015 [PMID:25741868].

Fulgent Genetics
Classification: Uncertain significance for Polycystic kidney disease 4. Last evaluated: 2018-10-31. Review status: criteria provided, single submitter. Criteria: ACMG Guidelines, 2015. Collection method: clinical testing. Allele origin: unknown.

Eurofins Ntd Llc (ga)
Classification: Uncertain significance. Last evaluated: 2014-03-12. Review status: criteria provided, single submitter. Criteria: EGL Classification Definitions 2015. Collection method: clinical testing. Allele origin: germline. Observed: 1 variant allele, 1 heterozygote.

Literature cited by the submitters: PubMed 38098057 (cited by Natera, Inc.); PubMed 16133180 (cited by 3 submitters); PubMed 31395954 (cited by Natera, Inc. and Labcorp Genetics (formerly Invitae), Labcorp).

NM_138694.4(PKHD1):c.2180A>G (p.Asn727Ser)

Gene: PKHD1 (PKHD1 ciliary IPT domain containing fibrocystin/polyductin; minus strand). Cytogenetic location: 6p12.2.
Variant type: single nucleotide variant.
Coding change: c.2180A>G on transcript NM_138694.4 (MANE Select); coding-DNA position 2180, A replaced by G.
Protein change: p.Asn727Ser; replaces asparagine 727 with serine.
Molecular consequence: missense variant.
Genome position (GRCh38, 1-based): chr6:52,050,256, T>C on the plus strand (A>G on the coding strand, the complement: PKHD1 is on the minus strand). VCF-style: chr6-52050256-T-C. GRCh37 (hg19) VCF-style: chr6-51915054-T-C.
Other names: c.2180A>G, p.Asn727Ser (NM_170724.3); short protein forms N727S.
Identifiers: ClinVar variation 167492 (VCV000167492.14), dbSNP rs727504090, ClinGen allele CA234578.